The following is an entry in ClinVar:

ClinVar aggregate classification (germline): Pathogenic. Review status: criteria provided, multiple submitters, no conflicts (2 of 4 stars). 5 submissions from 5 submitters: Pathogenic (5). Last evaluated 2025-12-13.

Conditions:
PMM2-congenital disorder of glycosylation. Also called: PHOSPHOMANNOMUTASE 2 DEFICIENCY; CARBOHYDRATE-DEFICIENT GLYCOPROTEIN SYNDROME, TYPE Ia; Congenital disorder of glycosylation, type Ia; CDG Ia; JAEKEN SYNDROME; PMM2-CDG. Identifiers: Orphanet 79318, MedGen C0349653, MONDO:0008907, OMIM 212065.

Submissions (5):

Labcorp Genetics (formerly Invitae), Labcorp
Classification: Pathogenic for PMM2-congenital disorder of glycosylation. Last evaluated: 2025-12-13. Review status: criteria provided, single submitter. Criteria: Invitae Variant Classification Sherloc (09022015). Collection method: clinical testing. Allele origin: germline.
Comment: This sequence change creates a premature translational stop signal (p.Ile153Thrfs*27) in the PMM2 gene. It is expected to result in an absent or disrupted protein product. Loss-of-function variants in PMM2 are known to be pathogenic (PMID: 19862844). This variant is present in population databases (rs774738702, gnomAD 0.02%). This premature translational stop signal has been observed in individual(s) with PMM2-related conditions (PMID: 29361989). ClinVar contains an entry for this variant (Variation ID: 1072868). For these reasons, this variant has been classified as Pathogenic.

Natera, Inc.
Classification: Pathogenic for Congenital disorder of glycosylation type 1a. Last evaluated: 2025-07-17. Review status: criteria provided, single submitter. Criteria: Natera Variant Classification Schema (03/2026). Collection method: clinical testing. Allele origin: germline.
Comment: The c.458_462delTAAGA variant in PMM2 is a frameshift variant predicted to shift the reading frame beginning at codon 153 and leads to a stop codon 27 codons downstream. This variant is expected to result in nonsense mediated decay, truncation, or a dysfunctional protein product. This variant is rare in the general population with a frequency below the threshold expected for the associated phenotype(s). This variant has been observed in one or more individuals affected with the associated recessive disease, as either homozygous or compound heterozygous with a second variant (PMID: 29361989). Given the available evidence, this variant is classified as Pathogenic.

Variantyx, Inc.
Classification: Pathogenic for PMM2-congenital disorder of glycosylation. Last evaluated: 2025-04-21. Review status: criteria provided, single submitter. Criteria: Variantyx Assertion Criteria 2022. Collection method: clinical testing. Allele origin: germline. Inheritance: Autosomal recessive inheritance. Affected: no.
Comment: This is a frameshift variant in the PMM2 gene (OMIM: 601785). Pathogenic variants in this gene have been associated with autosomal recessive congenital disorder of glycosylation type Ia. This variant introduces a premature termination codon in exon 6 out of 8 and is expected to result in loss of function, which is a known disease mechanism for PMM2 in this disorder (PMID: 19862844) (PVS1). This variant has been identified in the homozygous or compound heterozygous state in at least one indivdiual reported in the published literature (PMID: 29361989) (PM3). It has a 0.0126% maximum allele frequency in non-founder control populations (PM2). Based on the current evidence, this variant is classified as pathogenic for autosomal recessive congenital disorder of glycosylation type Ia.

Women's Health and Genetics/Laboratory Corporation of America, LabCorp
Classification: Pathogenic for PMM2-congenital disorder of glycosylation. Last evaluated: 2025-02-17. Review status: criteria provided, single submitter. Criteria: LabCorp Variant Classification Summary - May 2015. Collection method: clinical testing. Allele origin: germline.
Comment: Variant summary: PMM2 c.458_462delTAAGA (p.Ile153ThrfsX27) results in a premature termination codon, predicted to cause absence of the protein due to nonsense mediated decay, which is a commonly known mechanism for disease. The variant allele was found at a frequency of 1.6e-05 in 251330 control chromosomes (gnomAD). c.458_462delTAAGA has been reported in the literature in at least one individual affected with Congenital Disorder Of Glycosylation Type 1a (e.g. Wu_2018). The following publication has been ascertained in the context of this evaluation (PMID: 29361989). ClinVar contains an entry for this variant (Variation ID: 1072868). Based on the evidence outlined above, the variant was classified as pathogenic.

Juno Genomics, Hangzhou Juno Genomics, Inc
Classification: Pathogenic for PMM2-congenital disorder of glycosylation. Review status: criteria provided, single submitter. Criteria: ACMG Guidelines, 2015. Collection method: clinical testing. Allele origin: germline.
Comment: Absent from controls (or at extremely low frequency if recessive) in Genome Aggregation Database.;Null variant in a gene where loss of function (LOF) is a known mechanism of disease.;For recessive disorders, detected in trans with a pathogenic variant.;Patient's phenotype or family history is highly specific for a disease with a single genetic etiology.

Literature cited by the submitters: PubMed 19862844 (cited by Labcorp Genetics (formerly Invitae), Labcorp and Variantyx, Inc.); PubMed 29361989 (cited by 4 submitters).

NM_000303.3(PMM2):c.458_462del (p.Ile153fs)

Gene: PMM2 (phosphomannomutase 2; plus strand). Cytogenetic location: 16p13.2.
Variant type: Deletion.
Coding change: c.458_462del on transcript NM_000303.3 (MANE Select); coding-DNA positions 458 to 462, 5 bases deleted (TAAGA; older notation c.458_462delTAAGA).
Protein change: p.Ile153fs; shifts the reading frame from isoleucine 153.
Molecular consequence: frameshift variant.
Genome position (GRCh38, 1-based): chr16:8,811,648-8,811,652, TAAGA deleted; deleting any 5 consecutive bases within chr16:8,811,647-8,811,652 gives the same sequence; the c. name uses the placement nearest the transcript's 3' end. VCF-style (leftmost placement, unchanged base first): chr16-8811646-TATAAG-T. GRCh37 (hg19) VCF-style: chr16-8905503-TATAAG-T.
Other names: c.458_462delTAAGA (NM_000303.3, NM_000303.2); short protein forms I153fs.
Identifiers: ClinVar variation 1072868 (VCV001072868.21), dbSNP rs774738702, ClinGen allele CA7894085.
Genomic context (GRCh38, chr16:8,811,646, plus strand): 5'-GCTTTCTAAACTGCAATACAAGAAACAATTGGTATCTTTTTGTTTTTCTCAGAAAGAAAA[TATAAG>T]ACAAAAGTTTGTAGCAGATCTACGGAAAGAGTTTGCTGGAAAAGGCCTCACGTTTTCCAT-3'